The following is an entry in ClinVar:

GRCh37/hg19 19q13.2(chr19:41350886-41381485)x3

Genes: CYP2A6 (cytochrome P450 family 2 subfamily A member 6; minus strand), CYP2A7 (cytochrome P450 family 2 subfamily A member 7; minus strand). Cytogenetic location: 19q13.2.
Variant type: copy number gain.
Change: copy number 3 (three copies instead of two) of chr19:41,350,886-41,381,485 (30.6 kb, GRCh37 coordinates, 1-based), cytogenetic band 19q13.2.
Identifiers: ClinVar variation 394914 (VCV000394914.3).

ClinVar aggregate classification (germline): Benign/Likely benign (0 of 4 stars; one submission).

Submission:

ISCA Site 6
Classification: Benign/Likely benign. Review status: no assertion criteria provided. Collection method: clinical testing. Allele origin: unknown. Affected: yes. Observed: 2 variant alleles.
Comment: Likely benign (1), Benign (1)

Copy number variation identified through the course of routine clinical cytogenomic testing in postnatal populations, with clinical assertions as classified by the original submitter. For data from the original published study, Kaminsky, et al. 2011 (PubMed 21844811), please see nstd101.